The following is an entry in ClinVar:

ClinVar aggregate classification (germline): Conflicting classifications of pathogenicity. Review status: criteria provided, conflicting classifications (1 of 4 stars). 12 submissions from 8 submitters: Uncertain significance (10); Likely benign (1). 1 of the submissions does not count toward it. Last evaluated 2026-02-02.

Conditions:
Multiple epiphyseal dysplasia type 4 (EDM4). Also called: MULTIPLE EPIPHYSEAL DYSPLASIA WITH BILAYERED PATELLAE; MULTIPLE EPIPHYSEAL DYSPLASIA WITH CLUBFOOT; MULTIPLE EPIPHYSEAL DYSPLASIA, AUTOSOMAL RECESSIVE; SLC26A2-Related Multiple Epiphyseal Dysplasia; Multiple Epiphyseal Dysplasia, Recessive. Identifiers: Orphanet 93307, MedGen C1847593, MONDO:0009189, OMIM 226900.
Achondrogenesis, type IB (ACG1B). Also called: Achondrogenesis Type 1B. Identifiers: Orphanet 932, Orphanet 93298, MedGen C0265274, MONDO:0010966, OMIM 600972.
Atelosteogenesis type II (AO2). Also called: NEONATAL OSSEOUS DYSPLASIA I; Neonatal osseous dysplasia 1; SLC26A2-Related Atelosteogenesis. Identifiers: Orphanet 56304, MedGen C1850554, MONDO:0009727, OMIM 256050.
Diastrophic dysplasia (DTD). Also called: Diastrophic dwarfism. Identifiers: Orphanet 628, MedGen C0220726, MONDO:0009107, OMIM 222600.
Sulfate transporter-related osteochondrodysplasia. Also called: DTDST-related dysplasias. Identifiers: MedGen CN120497. Disease mechanism: loss of function.

Allele frequency attached by ClinVar (database versions not stated): 1000 Genomes Project 30x 0.00031; 1000 Genomes Project 0.00040; ESP Exome Variant Server 0.00054; gnomAD exomes 0.00054 and 0.00087; ExAC 0.00057; gnomAD 0.00072 and 0.00073; TOPMed 0.00076.
gnomAD v4.1: 1,399 of 1,614,104 alleles (0.087%); highest among the groups gnomAD compares: Non-Finnish European, 0.11%; no homozygotes.

Submissions (12):

Labcorp Genetics (formerly Invitae), Labcorp
Classification: Likely benign for Atelosteogenesis type II; Multiple epiphyseal dysplasia type 4; Achondrogenesis, type IB; Diastrophic dysplasia. Last evaluated: 2026-02-02. Review status: criteria provided, single submitter. Criteria: Invitae Variant Classification Sherloc (09022015). Collection method: clinical testing. Allele origin: germline.

GeneDx
Classification: Uncertain significance. Last evaluated: 2024-12-11. Review status: criteria provided, single submitter. Criteria: GeneDx Variant Classification Process June 2021. Collection method: clinical testing. Allele origin: germline. Affected: yes.
Comment: In silico analysis indicates that this missense variant does not alter protein structure/function; Has not been previously published as pathogenic or benign to our knowledge

ARUP Laboratories, Molecular Genetics and Genomics, ARUP Laboratories
Classification: Uncertain significance. Last evaluated: 2021-03-20. Review status: criteria provided, single submitter. Criteria: ARUP Molecular Germline Variant Investigation Process 2021. Collection method: clinical testing. Allele origin: germline.
Comment: The SLC26A2 c.1046T>A; p.Phe349Tyr variant (rs114212275), to our knowledge, is not reported in the medical literature but is reported in ClinVar (Variation ID: 352025). This variant is found in the general population with an overall allele frequency of 0.05% (152/282484 alleles) in the Genome Aggregation Database. The phenylalanine at codon 349 is highly conserved, but computational analyses are uncertain whether this variant is neutral or deleterious (REVEL: 0.33). Due to limited information, the clinical significance of the p.Phe349Tyr variant is uncertain at this time.

Fulgent Genetics
Classification: Uncertain significance for Diastrophic dysplasia; Multiple epiphyseal dysplasia type 4; Atelosteogenesis type II; Achondrogenesis, type IB. Last evaluated: 2018-10-31. Review status: criteria provided, single submitter. Criteria: ACMG Guidelines, 2015. Collection method: clinical testing. Allele origin: unknown.

Illumina Laboratory Services, Illumina
Classification: Uncertain significance for Diastrophic dysplasia. Last evaluated: 2018-01-12. Review status: criteria provided, single submitter. Criteria: ICSL Variant Classification Criteria 13 December 2019. Collection method: clinical testing. Allele origin: germline.

Illumina Laboratory Services, Illumina
Classification: Uncertain significance for Osteochondrodysplasia. Last evaluated: 2018-01-12. Review status: criteria provided, single submitter. Criteria: ICSL Variant Classification Criteria 13 December 2019. Collection method: clinical testing. Allele origin: germline.

Illumina Laboratory Services, Illumina
Classification: Uncertain significance for Multiple epiphyseal dysplasia type 4. Last evaluated: 2018-01-12. Review status: criteria provided, single submitter. Criteria: ICSL Variant Classification Criteria 13 December 2019. Collection method: clinical testing. Allele origin: germline.

Illumina Laboratory Services, Illumina
Classification: Uncertain significance for Achondrogenesis, type IB. Last evaluated: 2018-01-12. Review status: criteria provided, single submitter. Criteria: ICSL Variant Classification Criteria 13 December 2019. Collection method: clinical testing. Allele origin: germline.

Illumina Laboratory Services, Illumina
Classification: Uncertain significance for Atelosteogenesis type II. Last evaluated: 2018-01-12. Review status: criteria provided, single submitter. Criteria: ICSL Variant Classification Criteria 13 December 2019. Collection method: clinical testing. Allele origin: germline.

Eurofins Ntd Llc (ga)
Classification: Uncertain significance. Last evaluated: 2017-03-09. Review status: criteria provided, single submitter. Criteria: EGL Classification Definitions 2015. Collection method: clinical testing. Allele origin: germline. Observed: 1 variant allele, 1 heterozygote.

Mayo Clinic Laboratories, Mayo Clinic
Classification: Uncertain significance for Multiple epiphyseal dysplasia type 4. Last evaluated: 2016-11-08. Review status: criteria provided, single submitter. Criteria: ACMG Guidelines, 2015. Collection method: clinical testing. Allele origin: maternal.

Natera, Inc.
Classification: Uncertain significance for Achondrogenesis type IB. Last evaluated: 2020-01-17. Review status: no assertion criteria provided. Collection method: clinical testing. Allele origin: germline. Not counted in ClinVar's aggregate classification.

NM_000112.4(SLC26A2):c.1046T>A (p.Phe349Tyr)

Gene: SLC26A2 (solute carrier family 26 member 2; plus strand). Cytogenetic location: 5q32.
Variant type: single nucleotide variant.
Coding change: c.1046T>A on transcript NM_000112.4 (MANE Select); coding-DNA position 1046, T replaced by A.
Protein change: p.Phe349Tyr; replaces phenylalanine 349 with tyrosine.
Molecular consequence: missense variant.
Genome position (GRCh38, 1-based): chr5:149,980,639, T>A. VCF-style: chr5-149980639-T-A. GRCh37 (hg19) VCF-style: chr5-149360202-T-A.
Other names: short protein forms F349Y.
Identifiers: ClinVar variation 352025 (VCV000352025.31), dbSNP rs114212275, ClinGen allele CA3505378.